The following is an entry in ClinVar:

NM_021956.5(GRIK2):c.2629C>A (p.His877Asn)

Gene: GRIK2 (glutamate ionotropic receptor kainate type subunit 2; plus strand). Cytogenetic location: 6q16.3.
Variant type: single nucleotide variant.
Coding change: c.2629C>A on transcript NM_021956.5 (MANE Select); coding-DNA position 2629, C replaced by A.
Protein change: p.His877Asn; replaces histidine 877 with asparagine.
Molecular consequence: missense variant. On other transcripts: 3 prime UTR variant (2).
Genome position (GRCh38, 1-based): chr6:102,068,413, C>A. VCF-style: chr6-102068413-C-A. GRCh37 (hg19) VCF-style: chr6-102516288-C-A.
Other names: c.*82C>A (NM_001166247.1); c.*106C>A (NM_175768.3); short protein forms H877N.
Identifiers: ClinVar variation 3363681 (VCV003363681.1).

ClinVar aggregate classification (germline): Uncertain significance (1 of 4 stars; one submission).

Submission:

GeneDx
Classification: Uncertain significance. Last evaluated: 2023-11-01. Review status: criteria provided, single submitter. Criteria: GeneDx Variant Classification Process June 2021. Collection method: clinical testing. Allele origin: germline. Affected: yes.
Comment: Not observed at significant frequency in large population cohorts (gnomAD); In silico analysis supports that this missense variant does not alter protein structure/function; Has not been previously published as pathogenic or benign to our knowledge